The following is an entry in ClinVar:

ClinVar aggregate classification (germline): Likely benign. Review status: criteria provided, multiple submitters, no conflicts (2 of 4 stars). 2 submissions from 2 submitters: Likely benign (2). Last evaluated 2026-01-11.

Conditions:
Long QT syndrome (LQTS). Identifiers: MedGen C0023976, MeSH D008133, MONDO:0002442. Disease mechanism: loss of function. Inheritance: Various modes of inheritance.

gnomAD v4.1: 18 of 1,614,028 alleles (0.0011%); highest among the groups gnomAD compares: Non-Finnish European, 0.0015%; no homozygotes.

Submissions (2):

Labcorp Genetics (formerly Invitae), Labcorp
Classification: Likely benign for Long QT syndrome. Last evaluated: 2026-01-11. Review status: criteria provided, single submitter. Criteria: Invitae Variant Classification Sherloc (09022015). Collection method: clinical testing. Allele origin: germline.

GeneDx
Classification: Likely benign. Last evaluated: 2017-12-21. Review status: criteria provided, single submitter. Criteria: GeneDx Variant Classification (06012015). Collection method: clinical testing. Allele origin: germline. Affected: yes.
Comment: This variant is considered likely benign or benign based on one or more of the following criteria: it is a conservative change, it occurs at a poorly conserved position in the protein, it is predicted to be benign by multiple in silico algorithms, and/or has population frequency not consistent with disease.

NM_003098.3(SNTA1):c.846G>A (p.Leu282=)

Gene: SNTA1 (syntrophin alpha 1; minus strand). Cytogenetic location: 20q11.21.
Variant type: single nucleotide variant.
Coding change: c.846G>A on transcript NM_003098.3 (MANE Select); coding-DNA position 846, G replaced by A.
Protein change: p.Leu282=; no amino-acid change (leucine 282 retained).
Molecular consequence: synonymous variant.
Genome position (GRCh38, 1-based): chr20:33,412,638, C>T on the plus strand (G>A on the coding strand, the complement: SNTA1 is on the minus strand). VCF-style: chr20-33412638-C-T. GRCh37 (hg19) VCF-style: chr20-32000444-C-T.
Identifiers: ClinVar variation 514302 (VCV000514302.2), dbSNP rs778688832, ClinGen allele CA9817124.